The following is an entry in ClinVar:

ClinVar aggregate classification (germline): Uncertain significance. Review status: criteria provided, multiple submitters, no conflicts (2 of 4 stars). 2 submissions from 2 submitters: Uncertain significance (2). Last evaluated 2025-04-07.

Conditions:
Inborn genetic diseases. Identifiers: MedGen C0950123, MeSH D030342.
Fanconi anemia (FA). Also called: Fanconi's anemia. Identifiers: Orphanet 84, MedGen C0015625, MeSH D005199, MONDO:0019391.
Fanconi anemia complementation group A (FANCA). Also called: FANCA-Related Fanconi Anemia; Fanconi anemia, group A. Identifiers: Orphanet 84, MedGen C3469521, MONDO:0009215, OMIM 227650.

gnomAD v4.1: 49 of 1,614,150 alleles (0.003%); highest among the groups gnomAD compares: Non-Finnish European, 0.004%; 1 homozygote.

Submissions (2):

Ambry Genetics
Classification: Uncertain significance for Inborn genetic diseases. Last evaluated: 2025-04-07. Review status: criteria provided, single submitter. Criteria: Ambry Variant Classification Scheme 2023. Collection method: clinical testing. Allele origin: germline.
Comment: The p.H1355P variant (also known as c.4064A>C), located in coding exon 41 of the FANCA gene, results from an A to C substitution at nucleotide position 4064. The histidine at codon 1355 is replaced by proline, an amino acid with similar properties. This amino acid position is conserved. In addition, the in silico prediction for this alteration is inconclusive. Based on the available evidence, the clinical significance of this variant remains unclear.

Labcorp Genetics (formerly Invitae), Labcorp
Classification: Uncertain significance for Fanconi anemia. Last evaluated: 2022-07-14. Review status: criteria provided, single submitter. Criteria: Invitae Variant Classification Sherloc (09022015). Collection method: clinical testing. Allele origin: germline.
Comment: This sequence change replaces histidine, which is basic and polar, with proline, which is neutral and non-polar, at codon 1355 of the FANCA protein (p.His1355Pro). This variant is present in population databases (no rsID available, gnomAD 0.002%). This variant has not been reported in the literature in individuals affected with FANCA-related conditions. Advanced modeling of protein sequence and biophysical properties (such as structural, functional, and spatial information, amino acid conservation, physicochemical variation, residue mobility, and thermodynamic stability) performed at Invitae indicates that this missense variant is not expected to disrupt FANCA protein function. In summary, the available evidence is currently insufficient to determine the role of this variant in disease. Therefore, it has been classified as a Variant of Uncertain Significance.

NM_000135.4(FANCA):c.4064A>C (p.His1355Pro)

Genes: FANCA (FA complementation group A; minus strand), ZNF276 (zinc finger protein 276; plus strand). Cytogenetic location: 16q24.3.
Variant type: single nucleotide variant.
Coding change: c.4064A>C on transcript NM_000135.4 (MANE Select); coding-DNA position 4064, A replaced by C.
Protein change: p.His1355Pro; replaces histidine 1355 with proline.
Molecular consequence: missense variant. On other transcripts: 3 prime UTR variant (2), non-coding transcript variant (4).
Genome position (GRCh38, 1-based): chr16:89,739,236, T>G on the plus strand (A>C on the coding strand, the complement: FANCA is on the minus strand). VCF-style: chr16-89739236-T-G. GRCh37 (hg19) VCF-style: chr16-89805644-T-G.
Other names: c.4064A>C, p.His1355Pro (NM_001286167.3); c.*990T>G (NM_001113525.2, NM_152287.4); short protein forms H1355P.
Identifiers: ClinVar variation 2160753 (VCV002160753.3), dbSNP rs145886270, ClinGen allele CA397484555.
Genomic context (GRCh38, chr16:89,739,236, plus strand): 5'-GTGCTTGTATCCCCAGCCACGAAGAGCTGGACCAGCTTCAAGTACATGTCCACAGCAACA[T>G]GCAGGAAGGCCTCTTCCCTGATGGCCGCGTCTTCATGGAAGTAGGAGAGAAGACTAGAGG-3'
Protein context (NP_000126.2, residues 1345-1365): DAAIREEAFL[His1355Pro]VAVDMYLKLV